The following is an entry in ClinVar:

ClinVar aggregate classification (germline): Pathogenic. Review status: criteria provided, multiple submitters, no conflicts (2 of 4 stars). 6 submissions from 5 submitters: Pathogenic (4). 2 of the submissions do not count toward it. Last evaluated 2025-01-05.

Conditions:
Microspherophakia and/or megalocornea, with ectopia lentis and with or without secondary glaucoma (MSPKA). Identifiers: Orphanet 238763, MedGen C3538951, MONDO:0009633, OMIM 251750.
LTBP2-related disorder. Also called: LTBP2-related disorders; LTBP2-related condition.
Glaucoma 3, primary congenital, D. Identifiers: Orphanet 98976, MedGen C2751316, MONDO:0013122, OMIM 613086.
Microspherophakia. Identifiers: MedGen C1562061, HP:0030961.

Allele frequency attached by ClinVar (database versions not stated): TOPMed 0.00001; ExAC 0.00003.
gnomAD v4.1: 15 of 1,597,114 alleles (0.00094%); highest among the groups gnomAD compares: East Asian, 0.0022%; no homozygotes.

Submissions (6):

Labcorp Genetics (formerly Invitae), Labcorp
Classification: Pathogenic. Last evaluated: 2025-01-05. Review status: criteria provided, single submitter. Criteria: Invitae Variant Classification Sherloc (09022015). Collection method: clinical testing. Allele origin: germline.
Comment: This sequence change creates a premature translational stop signal (p.Arg299*) in the LTBP2 gene. It is expected to result in an absent or disrupted protein product. Loss-of-function variants in LTBP2 are known to be pathogenic (PMID: 19361779, 19656777, 22025892). This variant is present in population databases (rs121918355, gnomAD 0.006%). This premature translational stop signal has been observed in individuals with clinical features of LTBP2-related conditions (PMID: 19361779, 21081970; internal data). It has also been observed to segregate with disease in related individuals. ClinVar contains an entry for this variant (Variation ID: 7554). Algorithms developed to predict the effect of sequence changes on RNA splicing suggest that this variant may disrupt the consensus splice site. For these reasons, this variant has been classified as Pathogenic.

Blueprint Genetics
Classification: Pathogenic for LTBP2-related disorders. Last evaluated: 2024-06-17. Review status: criteria provided, single submitter. Criteria: ACMG Guidelines, 2015. Collection method: clinical testing. Allele origin: germline. Affected: yes. Observed: 5 variant alleles.

Laboratory of Medical Genetics, National & Kapodistrian University of Athens
Classification: Pathogenic for Microspherophakia and/or megalocornea, with ectopia lentis and with or without secondary glaucoma. Last evaluated: 2023-03-17. Review status: criteria provided, single submitter. Criteria: ACMG Guidelines, 2015. Collection method: clinical testing. Allele origin: germline. Affected: yes.
Comment: PVS1, PM2, PP5

CeGaT Center for Human Genetics Tuebingen
Classification: Pathogenic. Last evaluated: 2020-10-01. Review status: criteria provided, single submitter. Criteria: CeGaT Center For Human Genetics Tuebingen Variant Classification Criteria Version 2. Collection method: clinical testing. Allele origin: germline. Affected: yes. Observed: 2 variant alleles.

OMIM
Classification: Pathogenic for GLAUCOMA 3, PRIMARY CONGENITAL, D. Last evaluated: 2011-03-01. Review status: no assertion criteria provided. Collection method: literature only. Allele origin: germline. Not counted in ClinVar's aggregate classification.

OMIM
Classification: Pathogenic for MICROSPHEROPHAKIA AND/OR MEGALOCORNEA, WITH ECTOPIA LENTIS AND WITH OR WITHOUT SECONDARY GLAUCOMA. Last evaluated: 2011-03-01. Review status: no assertion criteria provided. Collection method: literature only. Allele origin: germline. Not counted in ClinVar's aggregate classification.

Literature cited by the submitters: PubMed 19361779 (cited by Labcorp Genetics (formerly Invitae), Labcorp and OMIM); PubMed 19656777 (cited by Labcorp Genetics (formerly Invitae), Labcorp); PubMed 22025892 (cited by Labcorp Genetics (formerly Invitae), Labcorp); PubMed 21081970 (cited by Labcorp Genetics (formerly Invitae), Labcorp and OMIM); PubMed 20179738 (cited by OMIM).

NM_000428.3(LTBP2):c.895C>T (p.Arg299Ter)

Gene: LTBP2 (latent transforming growth factor beta binding protein 2; minus strand). Cytogenetic location: 14q24.3.
Variant type: single nucleotide variant.
Coding change: c.895C>T on transcript NM_000428.3 (MANE Select); coding-DNA position 895, C replaced by T.
Protein change: p.Arg299Ter; replaces arginine 299 with a stop codon.
Molecular consequence: nonsense.
Genome position (GRCh38, 1-based): chr14:74,555,629, G>A on the plus strand (C>T on the coding strand, the complement: LTBP2 is on the minus strand). VCF-style: chr14-74555629-G-A. GRCh37 (hg19) VCF-style: chr14-75022332-G-A.
Other names: short protein forms R299*.
Identifiers: ClinVar variation 7554 (VCV000007554.46), dbSNP rs121918355, ClinGen allele CA129849.